The following is an entry in ClinVar:

ClinVar aggregate classification (germline): Uncertain significance (1 of 4 stars; one submission).

Conditions:
Megalencephaly-polymicrogyria-postaxial polydactyly-hydrocephalus syndrome. Also called: MPPH Syndrome; MEG-PMG-MEGACC SYNDROME. Identifiers: Orphanet 83473, MedGen C1863924, MONDO:0019375.

Allele frequency attached by ClinVar (database versions not stated): gnomAD 0.00001; gnomAD exomes 0.00002 and 0.00004; TOPMed 0.00003; ExAC 0.00016.
gnomAD v4.1: 27 of 1,570,076 alleles (0.0017%); highest among the groups gnomAD compares: Middle Eastern, 0.033%; no homozygotes.

Submission:

Labcorp Genetics (formerly Invitae), Labcorp
Classification: Uncertain significance for Megalencephaly-polymicrogyria-postaxial polydactyly-hydrocephalus syndrome. Last evaluated: 2024-12-09. Review status: criteria provided, single submitter. Criteria: Invitae Variant Classification Sherloc (09022015). Collection method: clinical testing. Allele origin: germline.
Comment: This sequence change replaces arginine, which is basic and polar, with glutamine, which is neutral and polar, at codon 19 of the PIK3R2 protein (p.Arg19Gln). This variant is present in population databases (rs754693011, gnomAD 0.02%). This variant has not been reported in the literature in individuals affected with PIK3R2-related conditions. ClinVar contains an entry for this variant (Variation ID: 1037102). Invitae Evidence Modeling of protein sequence and biophysical properties (such as structural, functional, and spatial information, amino acid conservation, physicochemical variation, residue mobility, and thermodynamic stability) indicates that this missense variant is not expected to disrupt PIK3R2 protein function with a negative predictive value of 95%. In summary, the available evidence is currently insufficient to determine the role of this variant in disease. Therefore, it has been classified as a Variant of Uncertain Significance.

NM_005027.4(PIK3R2):c.56G>A (p.Arg19Gln)

Gene: PIK3R2 (phosphoinositide-3-kinase regulatory subunit 2; plus strand). Cytogenetic location: 19p13.11.
Variant type: single nucleotide variant.
Coding change: c.56G>A on transcript NM_005027.4 (MANE Select); coding-DNA position 56, G replaced by A.
Protein change: p.Arg19Gln; replaces arginine 19 with glutamine.
Molecular consequence: missense variant. On other transcripts: non-coding transcript variant (2).
Genome position (GRCh38, 1-based): chr19:18,155,935, G>A. VCF-style: chr19-18155935-G-A. GRCh37 (hg19) VCF-style: chr19-18266745-G-A.
Other names: short protein forms R19Q.
Identifiers: ClinVar variation 1037102 (VCV001037102.8), dbSNP rs754693011, ClinGen allele CA9306638.